The following is an entry in ClinVar:

NM_017636.4(TRPM4):c.148G>A (p.Glu50Lys)

Gene: TRPM4 (transient receptor potential cation channel subfamily M member 4; plus strand). Cytogenetic location: 19q13.33.
Variant type: single nucleotide variant.
Coding change: c.148G>A on transcript NM_017636.4 (MANE Select); coding-DNA position 148, G replaced by A.
Protein change: p.Glu50Lys; replaces glutamic acid 50 with lysine.
Molecular consequence: missense variant. On other transcripts: 5 prime UTR variant (1), intron variant (2).
Genome position (GRCh38, 1-based): chr19:49,166,096, G>A. VCF-style: chr19-49166096-G-A. GRCh37 (hg19) VCF-style: chr19-49669353-G-A.
Other names: c.148G>A, p.Glu50Lys (NM_001195227.2, NM_001321281.2); c.-1225G>A (NM_001321282.2); c.-74-2164G>A (NM_001321283.2); c.-237-2457G>A (NM_001321285.2); short protein forms E50K.
Identifiers: ClinVar variation 3678884 (VCV003678884.2).

ClinVar aggregate classification (germline): Uncertain significance (1 of 4 stars; one submission).

Conditions:
Progressive familial heart block type IB (PFHB1B). Identifiers: Orphanet 871, MedGen C1970298, MONDO:0011474, OMIM 604559.

gnomAD v4.1: 1 of 1,604,396 alleles (0.000062%); no homozygotes.

Submission:

Labcorp Genetics (formerly Invitae), Labcorp
Classification: Uncertain significance for Progressive familial heart block type IB. Last evaluated: 2024-05-12. Review status: criteria provided, single submitter. Criteria: Invitae Variant Classification Sherloc (09022015). Collection method: clinical testing. Allele origin: germline.
Comment: This sequence change replaces glutamic acid, which is acidic and polar, with lysine, which is basic and polar, at codon 50 of the TRPM4 protein (p.Glu50Lys). This variant is not present in population databases (gnomAD no frequency). This variant has not been reported in the literature in individuals affected with TRPM4-related conditions. An algorithm developed to predict the effect of missense changes on protein structure and function (PolyPhen-2) suggests that this variant is likely to be disruptive. In summary, the available evidence is currently insufficient to determine the role of this variant in disease. Therefore, it has been classified as a Variant of Uncertain Significance.